The following is an entry in ClinVar:

ClinVar aggregate classification (germline): Pathogenic (1 of 4 stars; one submission).

Conditions:
Developmental delay with variable intellectual impairment and behavioral abnormalities. Identifiers: MedGen C5193092, MONDO:0032745, OMIM 618430.

Submission:

MVZ Medizinische Genetik Mainz
Classification: Pathogenic for Developmental delay with variable intellectual impairment and behavioral abnormalities. Last evaluated: 2022-10-20. Review status: criteria provided, single submitter. Criteria: UK Practice Guidelines For Variant Classification V4 01 2020. Collection method: clinical testing. Allele origin: germline. Inheritance: Autosomal dominant inheritance. Affected: yes. Observed: 1 variant allele.
Comment: ACMG Criteria: PVS1, PM2_SUP, PM6

NM_001378418.1(TCF20):c.5124_5125del (p.Cys1708fs)

Gene: TCF20 (transcription factor 20; minus strand). Cytogenetic location: 22q13.2.
Variant type: Microsatellite.
Coding change: c.5124_5125del on transcript NM_001378418.1 (MANE Select); coding-DNA positions 5124 to 5125, 2 bases deleted (TG; older notation c.5124_5125delTG).
Protein change: p.Cys1708fs; shifts the reading frame from cysteine 1708.
Molecular consequence: frameshift variant.
Genome position (GRCh38, 1-based): chr22:42,210,181-42,210,182, CA deleted on the plus strand (TG on the coding strand, the reverse complement: TCF20 is on the minus strand); deleting any 2 consecutive bases within chr22:42,210,181-42,210,186 gives the same sequence; the c. name uses the placement nearest the transcript's 3' end. VCF-style (leftmost placement, unchanged base first): chr22-42210180-CCA-C. GRCh37 (hg19) VCF-style: chr22-42606186-CCA-C.
Other names: c.5124_5125del, p.Cys1708fs (NM_005650.4, NM_181492.3); short protein forms C1708fs.
Identifiers: ClinVar variation 3235145 (VCV003235145.1), dbSNP rs2518201350.
Genomic context (GRCh38, chr22:42,210,180, plus strand): 5'-TAATCTTGGGGATAAAAAGGTCCAAAGAGGTCACCCATGTTCCGGTAACTGGCCCACTTG[CCA>C]CACAGACAGCAAACCAGGTGCCCCATAACCGAAGACTCTGTCACAACAGGTCCCTGCAGC-3'